The following is an entry in ClinVar:

ClinVar aggregate classification (germline): Conflicting classifications of pathogenicity. Review status: criteria provided, conflicting classifications (1 of 4 stars). 8 submissions from 8 submitters: Uncertain significance (3); Likely benign (5). Last evaluated 2026-01-13.

Conditions:
ALDH5A1-related disorder. Also called: ALDH5A1-related condition.
Succinate-semialdehyde dehydrogenase deficiency (SSADHD). Also called: GABA METABOLIC DEFECT; 4-HYDROXYBUTYRIC ACIDURIA; SSADH DEFICIENCY; Succinic Semialdehyde Dehydrogenase Deficiency. Identifiers: Orphanet 22, MedGen C0268631, MONDO:0010083, OMIM 271980.
Seizure. Also called: Seizures. Identifiers: MedGen C0036572, HP:0001250.

Allele frequency attached by ClinVar (database versions not stated): gnomAD exomes 0.00007 and 0.00023; ExAC 0.00037; ESP Exome Variant Server 0.00074; gnomAD 0.00086 and 0.00096; TOPMed 0.00108; 1000 Genomes Project 0.00140; 1000 Genomes Project 30x 0.00172.
gnomAD v4.1: 218 of 1,324,764 alleles (0.016%); highest among the groups gnomAD compares: African/African-American, 0.3%; no homozygotes.

Submissions (8):

Labcorp Genetics (formerly Invitae), Labcorp
Classification: Likely benign for Succinate-semialdehyde dehydrogenase deficiency. Last evaluated: 2026-01-13. Review status: criteria provided, single submitter. Criteria: Invitae Variant Classification Sherloc (09022015). Collection method: clinical testing. Allele origin: germline.

PreventionGenetics, part of Exact Sciences
Classification: Likely benign for ALDH5A1-related condition. Last evaluated: 2025-11-19. Review status: criteria provided, single submitter. Criteria: ACMG Guidelines, 2015. Collection method: clinical testing. Allele origin: germline.
Comment: This variant is classified as likely benign based on ACMG/AMP sequence variant interpretation guidelines (Richards et al. 2015 PMID: 25741868, with internal and published modifications).

Blueprint Genetics
Classification: Uncertain significance. Last evaluated: 2024-11-12. Review status: criteria provided, single submitter. Criteria: ACMG Guidelines, 2015. Collection method: clinical testing. Allele origin: germline.

ARUP Laboratories, Molecular Genetics and Genomics, ARUP Laboratories
Classification: Likely benign for Succinate-semialdehyde dehydrogenase deficiency. Last evaluated: 2024-11-01. Review status: criteria provided, single submitter. Criteria: ARUP Molecular Germline Variant Investigation Process 2024. Collection method: clinical testing. Allele origin: germline.

Women's Health and Genetics/Laboratory Corporation of America, LabCorp
Classification: Uncertain significance. Last evaluated: 2024-01-30. Review status: criteria provided, single submitter. Criteria: LabCorp Variant Classification Summary - May 2015. Collection method: clinical testing. Allele origin: germline.
Comment: Variant summary: ALDH5A1 c.13A>G (p.Ile5Val) results in a conservative amino acid change in the encoded protein sequence. Four of four in-silico tools predict a benign effect of the variant on protein function. The variant allele was found at a frequency of 0.00023 in 85416 control chromosomes, predominantly at a frequency of 0.0028 within the African or African-American subpopulation in the gnomAD database. To our knowledge, no occurrence of c.13A>G in individuals affected with Succinic Semialdehyde Dehydrogenase Deficiency and no experimental evidence demonstrating its impact on protein function have been reported. ClinVar contains an entry for this variant (Variation ID: 459979). Based on the evidence outlined above, the variant was classified as uncertain significance.

GeneDx
Classification: Likely benign. Last evaluated: 2021-01-15. Review status: criteria provided, single submitter. Criteria: GeneDx Variant Classification Process June 2021. Collection method: clinical testing. Allele origin: germline. Affected: yes.

Illumina Laboratory Services, Illumina
Classification: Likely benign for Succinate-semialdehyde dehydrogenase deficiency. Last evaluated: 2018-01-13. Review status: criteria provided, single submitter. Criteria: ICSL Variant Classification Criteria 13 December 2019. Collection method: clinical testing. Allele origin: germline.
Comment: This variant was observed in the ICSL laboratory as part of a predisposition screen in an ostensibly healthy population. It had not been previously curated by ICSL or reported in the Human Gene Mutation Database (HGMD: prior to June 1st, 2018), and was therefore a candidate for classification through an automated scoring system. Utilizing variant allele frequency, disease prevalence and penetrance estimates, and inheritance mode, an automated score was calculated to assess if this variant is too frequent to cause the disease. Based on the score and internal cut-off values, a variant classified as likely benign is not then subjected to further curation. The score for this variant resulted in a classification of likely benign for this disease.

Clinical Molecular Genetics Laboratory, Johns Hopkins All Children's Hospital
Classification: Uncertain significance for seizures. Last evaluated: 2017-04-04. Review status: criteria provided, single submitter. Criteria: ACMG Guidelines, 2015. Collection method: clinical testing. Allele origin: germline. Affected: yes.

NM_001080.3(ALDH5A1):c.13A>G (p.Ile5Val)

Genes: ALDH5A1 (aldehyde dehydrogenase 5 family member A1; plus strand), GPLD1 (glycosylphosphatidylinositol specific phospholipase D1; minus strand), LOC129995978 (ATAC-STARR-seq lymphoblastoid silent region 16989; plus strand). Cytogenetic location: 6p22.3.
Variant type: single nucleotide variant.
Coding change: c.13A>G on transcript NM_001080.3 (MANE Select); coding-DNA position 13, A replaced by G.
Protein change: p.Ile5Val; replaces isoleucine 5 with valine.
Molecular consequence: missense variant.
Genome position (GRCh38, 1-based): chr6:24,495,009, A>G. VCF-style: chr6-24495009-A-G. GRCh37 (hg19) VCF-style: chr6-24495237-A-G.
Other names: c.13A>G, p.Ile5Val (NM_001368954.1, NM_170740.1); short protein forms I5V.
Identifiers: ClinVar variation 459979 (VCV000459979.21), dbSNP rs200398000, ClinGen allele CA3656550.